The following is an entry in ClinVar:

ClinVar aggregate classification (germline): Uncertain significance. Review status: criteria provided, multiple submitters, no conflicts (2 of 4 stars). 3 submissions from 3 submitters: Uncertain significance (3). Last evaluated 2025-10-22.

Conditions:
Cardiovascular phenotype. Identifiers: MedGen CN230736.
Long QT syndrome (LQTS). Identifiers: MedGen C0023976, MeSH D008133, MONDO:0002442. Disease mechanism: loss of function. Inheritance: Various modes of inheritance.

Allele frequency attached by ClinVar (database versions not stated): TOPMed below 0.00001.
gnomAD v4.1: 28 of 1,613,840 alleles (0.0017%); highest among the groups gnomAD compares: Non-Finnish European, 0.0023%; no homozygotes.

Submissions (3):

Labcorp Genetics (formerly Invitae), Labcorp
Classification: Uncertain significance for Long QT syndrome. Last evaluated: 2025-10-22. Review status: criteria provided, single submitter. Criteria: Invitae Variant Classification Sherloc (09022015). Collection method: clinical testing. Allele origin: germline.
Comment: This sequence change replaces serine, which is neutral and polar, with cysteine, which is neutral and slightly polar, at codon 2186 of the AKAP9 protein (p.Ser2186Cys). This variant is not present in population databases (gnomAD no frequency). This variant has not been reported in the literature in individuals affected with AKAP9-related conditions. ClinVar contains an entry for this variant (Variation ID: 1754176). An algorithm developed to predict the effect of missense changes on protein structure and function (PolyPhen-2) suggests that this variant is likely to be tolerated. In summary, the available evidence is currently insufficient to determine the role of this variant in disease. Therefore, it has been classified as a Variant of Uncertain Significance.

Ambry Genetics
Classification: Uncertain significance for Cardiovascular phenotype. Last evaluated: 2025-02-01. Review status: criteria provided, single submitter. Criteria: Ambry Variant Classification Scheme 2023. Collection method: clinical testing. Allele origin: germline.

Blueprint Genetics
Classification: Uncertain significance. Last evaluated: 2024-06-03. Review status: criteria provided, single submitter. Criteria: ACMG Guidelines, 2015. Collection method: clinical testing. Allele origin: germline.

NM_005751.5(AKAP9):c.6557C>G (p.Ser2186Cys)

Gene: AKAP9 (A-kinase anchoring protein 9; plus strand). Cytogenetic location: 7q21.2.
Variant type: single nucleotide variant.
Coding change: c.6557C>G on transcript NM_005751.5 (MANE Select); coding-DNA position 6557, C replaced by G.
Protein change: p.Ser2186Cys; replaces serine 2186 with cysteine.
Molecular consequence: missense variant.
Genome position (GRCh38, 1-based): chr7:92,070,954, C>G. VCF-style: chr7-92070954-C-G. GRCh37 (hg19) VCF-style: chr7-91700268-C-G.
Other names: c.1202C>G, p.Ser401Cys (NM_001379277.1); c.6533C>G, p.Ser2178Cys (NM_147185.3); short protein forms S2186C, S401C, S2178C.
Identifiers: ClinVar variation 1754176 (VCV001754176.10), dbSNP rs987632006, ClinGen allele CA161918338.